The following is an entry in ClinVar:

NM_032043.3(BRIP1):c.1967dup (p.Arg658fs)

Gene: BRIP1 (BRCA1 interacting DNA helicase 1; minus strand). Cytogenetic location: 17q23.2.
Variant type: Duplication.
Coding change: c.1967dup on transcript NM_032043.3 (MANE Select); coding-DNA position 1967, one base duplicated (A; older notation c.1967dupA).
Protein change: p.Arg658fs; shifts the reading frame from arginine 658.
Molecular consequence: frameshift variant.
Genome position (GRCh38, 1-based): chr17:61,776,531, T duplicated on the plus strand (A on the coding strand, the reverse complement: BRIP1 is on the minus strand); the first of 2 consecutive T bases (chr17:61,776,531-61,776,532); duplicating either gives the same sequence. VCF-style (leftmost placement, unchanged base first): chr17-61776530-C-CT. GRCh37 (hg19) VCF-style: chr17-59853891-C-CT.
Other names: c.1967dupA (NM_032043.2); short protein forms R658fs.
Identifiers: ClinVar variation 835309 (VCV000835309.11), dbSNP rs2077537050, ClinGen allele CA916081902.
Genomic context (GRCh38, chr17:61,776,530, plus strand): 5'-CACTTCATCTTGGAACTCAAATGTTTCAGTATTCTGGAAGGTAGCACAGAGATTCCGACC[C>CT]TTGGGGCCTGACCCAATGGTACCAACCCAAACCTAGAATATGAATATGTCATTATTAGAG-3'

ClinVar aggregate classification (germline): Pathogenic. Review status: criteria provided, multiple submitters, no conflicts (2 of 4 stars). 3 submissions from 3 submitters: Pathogenic (3). Last evaluated 2025-05-05.

Conditions:
Familial cancer of breast. Also called: BREAST CANCER, FAMILIAL; hereditary breast carcinoma; Hereditary breast cancer. Identifiers: Orphanet 227535, MedGen C0346153, MONDO:0016419, OMIM 114480. Disease mechanism: loss of function.
Fanconi anemia complementation group J. Also called: BRIP1-Related Fanconi Anemia. Identifiers: Orphanet 84, MedGen C1836860, MONDO:0012187, OMIM 609054.
Hereditary cancer-predisposing syndrome. Also called: Neoplastic Syndromes, Hereditary; Hereditary neoplastic syndrome; Tumor predisposition; Hereditary Cancer Syndrome. Identifiers: Orphanet 140162, MedGen C0027672, MeSH D009386, MONDO:0015356.

Submissions (3):

Ambry Genetics
Classification: Pathogenic for Hereditary cancer-predisposing syndrome. Last evaluated: 2025-05-05. Review status: criteria provided, single submitter. Criteria: Ambry Variant Classification Scheme 2023. Collection method: clinical testing. Allele origin: germline.
Comment: The c.1967dupA pathogenic mutation, located in coding exon 13 of the BRIP1 gene, results from a duplication of A at nucleotide position 1967, causing a translational frameshift with a predicted alternate stop codon (p.R658Sfs*11). This variant is considered to be rare based on population cohorts in the Genome Aggregation Database (gnomAD). This alteration is expected to result in loss of function by premature protein truncation or nonsense-mediated mRNA decay. As such, this alteration is interpreted as a disease-causing mutation.

Myriad Genetics, Inc.
Classification: Pathogenic for Familial cancer of breast. Last evaluated: 2023-06-05. Review status: criteria provided, single submitter. Criteria: Myriad Autosomal Dominant, Autosomal Recessive and X-Linked Classification Criteria (2023). Collection method: clinical testing. Allele origin: unknown.
Comment: This variant is considered pathogenic. This variant creates a frameshift predicted to result in premature protein truncation.

Labcorp Genetics (formerly Invitae), Labcorp
Classification: Pathogenic for Familial cancer of breast; Fanconi anemia complementation group J. Last evaluated: 2022-07-12. Review status: criteria provided, single submitter. Criteria: Invitae Variant Classification Sherloc (09022015). Collection method: clinical testing. Allele origin: germline.
Comment: This sequence change creates a premature translational stop signal (p.Arg658Serfs*11) in the BRIP1 gene. It is expected to result in an absent or disrupted protein product. Loss-of-function variants in BRIP1 are known to be pathogenic (PMID: 16116423, 17033622, 21964575). This variant is not present in population databases (gnomAD no frequency). This variant has not been reported in the literature in individuals affected with BRIP1-related conditions. ClinVar contains an entry for this variant (Variation ID: 835309). For these reasons, this variant has been classified as Pathogenic.

Literature cited by the submitters: PubMed 16116423 (cited by Labcorp Genetics (formerly Invitae), Labcorp); PubMed 17033622 (cited by Labcorp Genetics (formerly Invitae), Labcorp); PubMed 21964575 (cited by Labcorp Genetics (formerly Invitae), Labcorp).